The following is an entry in ClinVar:

NM_000179.3(MSH6):c.2909G>T (p.Trp970Leu)

Gene: MSH6 (mutS homolog 6; plus strand). Cytogenetic location: 2p16.3.
Variant type: single nucleotide variant.
Coding change: c.2909G>T on transcript NM_000179.3 (MANE Select); coding-DNA position 2909, G replaced by T.
Protein change: p.Trp970Leu; replaces tryptophan 970 with leucine.
Molecular consequence: missense variant. On other transcripts: non-coding transcript variant (5), intron variant (2).
Genome position (GRCh38, 1-based): chr2:47,800,892, G>T. VCF-style: chr2-47800892-G-T. GRCh37 (hg19) VCF-style: chr2-48028031-G-T.
Other names: c.2519G>T, p.Trp840Leu (NM_001281492.2); c.2003G>T, p.Trp668Leu (NM_001281493.2, NM_001281494.2, NM_001406811.1 and 6 more transcripts); c.3005G>T, p.Trp1002Leu (NM_001406795.1, NM_001406802.1); c.2909G>T, p.Trp970Leu (NM_001406796.1, NM_001406808.1, NM_001406809.1 and 2 more transcripts); c.2612G>T, p.Trp871Leu (NM_001406818.1, NM_001406819.1, NM_001406820.1 and 10 more transcripts); c.2384G>T, p.Trp795Leu (NM_001406807.1, NM_001406799.1, NM_001406806.1); c.2915G>T, p.Trp972Leu (NM_001406813.1); c.2831G>T, p.Trp944Leu (NM_001406804.1); and 4 more; short protein forms W668L, W914L, W970L, W285L, W944L, W1002L, W840L, W972L.
Identifiers: ClinVar variation 3398953 (VCV003398953.1).
Genomic context (GRCh38, chr2:47,800,892, plus strand): 5'-GCCTCCTGGAATACCTAGAGAAACAGCGCAACAGAATTGGCTGTAGGACCATAGTCTATT[G>T]GGGGATTGGTAGGAACCGTTACCAGCTGGAAATTCCTGAGAATTTCACCACTCGCAATTT-3'
Protein context (NP_000170.1, residues 960-980): NRIGCRTIVY[Trp970Leu]GIGRNRYQLE

ClinVar aggregate classification (germline): Uncertain significance (1 of 4 stars; one submission).

Conditions:
Hereditary cancer-predisposing syndrome. Also called: Hereditary Cancer Syndrome; Tumor predisposition; Hereditary neoplastic syndrome; Neoplastic Syndromes, Hereditary. Identifiers: Orphanet 140162, MedGen C0027672, MeSH D009386, MONDO:0015356.

Submission:

Ambry Genetics
Classification: Uncertain significance for Hereditary cancer-predisposing syndrome. Last evaluated: 2024-11-18. Review status: criteria provided, single submitter. Criteria: Ambry Variant Classification Scheme 2023. Collection method: clinical testing. Allele origin: germline.
Comment: The p.W970L variant (also known as c.2909G>T), located in coding exon 4 of the MSH6 gene, results from a G to T substitution at nucleotide position 2909. The tryptophan at codon 970 is replaced by leucine, an amino acid with similar properties. This amino acid position is highly conserved in available vertebrate species. In addition, this alteration is predicted to be deleterious by in silico analysis. Based on the available evidence, the clinical significance of this variant remains unclear.